The following is an entry in ClinVar:

ClinVar aggregate classification (germline): Uncertain significance (0 of 4 stars; one submission).

Conditions:
RBPJ-related disorder. Also called: RBPJ-related condition.

Allele frequency attached by ClinVar (database versions not stated): ExAC 0.00001.

Submission:

PreventionGenetics, part of Exact Sciences
Classification: Uncertain significance for RBPJ-related condition. Last evaluated: 2023-12-05. Review status: no assertion criteria provided. Collection method: clinical testing. Allele origin: germline.
Comment: The RBPJ c.142G>C variant is predicted to result in the amino acid substitution p.Val48Leu. To our knowledge, this variant has not been reported in the literature. This variant is reported in 0.00088% of alleles in individuals of European (Non-Finnish) descent in gnomAD. At this time, the clinical significance of this variant is uncertain due to the absence of conclusive functional and genetic evidence.

NM_015874.6(RBPJ):c.103G>C (p.Val35Leu)

Genes: RBPJ (recombination signal binding protein for immunoglobulin kappa J region; plus strand), LOC126807011 (MED14-independent group 3 enhancer GRCh37_chr4:26407341-26408540; plus strand). Cytogenetic location: 4p15.2.
Variant type: single nucleotide variant.
Coding change: c.103G>C on transcript NM_015874.6 (MANE Select); coding-DNA position 103, G replaced by C.
Protein change: p.Val35Leu; replaces valine 35 with leucine.
Molecular consequence: missense variant.
Genome position (GRCh38, 1-based): chr4:26,406,218, G>C. VCF-style: chr4-26406218-G-C. GRCh37 (hg19) VCF-style: chr4-26407840-G-C.
Other names: c.37G>C, p.Val13Leu (NM_001363577.2, NM_203283.5); c.142G>C, p.Val48Leu (NM_001374400.1, NM_001379408.1, NM_005349.4); c.100G>C, p.Val34Leu (NM_001374401.1, NM_001374402.1, NM_001374403.1 and 3 more transcripts); c.97G>C, p.Val33Leu (NM_001379409.1); short protein forms V13L, V33L, V34L, V35L, V48L.
Identifiers: ClinVar variation 3030365 (VCV003030365.2), dbSNP rs769300879, ClinGen allele CA2881281.